The following is an entry in ClinVar:

NM_006031.6(PCNT):c.267+163G>A

Gene: PCNT (pericentrin; plus strand). Cytogenetic location: 21q22.3.
Variant type: single nucleotide variant.
Coding change: c.267+163G>A on transcript NM_006031.6 (MANE Select); 163 bases into the intron after coding-DNA position 267, G replaced by A.
Molecular consequence: intron variant.
Genome position (GRCh38, 1-based): chr21:46,326,752, G>A. VCF-style: chr21-46326752-G-A. GRCh37 (hg19) VCF-style: chr21-47746666-G-A.
Other names: c.-88+163G>A (NM_001315529.2).
Identifiers: ClinVar variation 677635 (VCV000677635.1), dbSNP rs78438362, ClinGen allele CA321998491.

ClinVar aggregate classification (germline): Likely benign (1 of 4 stars; one submission).

Allele frequency attached by ClinVar (database versions not stated): 1000 Genomes Project 0.00839; 1000 Genomes Project 30x 0.00890; TOPMed 0.01892; gnomAD 0.01897 and 0.01940.
gnomAD v4.1: 2,899 of 152,254 alleles (1.9%); highest among the groups gnomAD compares: Non-Finnish European, 2.8%; 35 homozygotes.

Submission:

GeneDx
Classification: Likely benign. Last evaluated: 2018-06-16. Review status: criteria provided, single submitter. Criteria: GeneDx Variant Classification (06012015). Collection method: clinical testing. Allele origin: germline. Affected: yes.
Comment: This variant is considered likely benign or benign based on one or more of the following criteria: it is a conservative change, it occurs at a poorly conserved position in the protein, it is predicted to be benign by multiple in silico algorithms, and/or has population frequency not consistent with disease.